The following is an entry in ClinVar:

NM_002900.3(RBP3):c.299C>G (p.Pro100Arg)

Gene: RBP3 (retinol binding protein 3; plus strand). Cytogenetic location: 10q11.22.
Variant type: single nucleotide variant.
Coding change: c.299C>G on transcript NM_002900.3 (MANE Select); coding-DNA position 299, C replaced by G.
Protein change: p.Pro100Arg; replaces proline 100 with arginine.
Molecular consequence: missense variant.
Genome position (GRCh38, 1-based): chr10:47,348,783, C>G. VCF-style: chr10-47348783-C-G. GRCh37 (hg19) VCF-style: chr10-48390579-G-C.
Other names: short protein forms P100R.
Identifiers: ClinVar variation 1052006 (VCV001052006.9), dbSNP rs143076262, ClinGen allele CA5487820.

ClinVar aggregate classification (germline): Uncertain significance. Review status: criteria provided, multiple submitters, no conflicts (2 of 4 stars). 2 submissions from 2 submitters: Uncertain significance (2). Last evaluated 2023-03-21.

gnomAD v4.1: 42 of 1,613,616 alleles (0.0026%); highest among the groups gnomAD compares: Middle Eastern, 0.049%; no homozygotes.

Submissions (2):

Blueprint Genetics
Classification: Uncertain significance. Last evaluated: 2023-03-21. Review status: criteria provided, single submitter. Criteria: ACMG Guidelines, 2015. Collection method: clinical testing. Allele origin: germline.

Labcorp Genetics (formerly Invitae), Labcorp
Classification: Uncertain significance. Last evaluated: 2022-07-19. Review status: criteria provided, single submitter. Criteria: Invitae Variant Classification Sherloc (09022015). Collection method: clinical testing. Allele origin: germline.
Comment: This sequence change replaces proline, which is neutral and non-polar, with arginine, which is basic and polar, at codon 100 of the RBP3 protein (p.Pro100Arg). In summary, the available evidence is currently insufficient to determine the role of this variant in disease. Therefore, it has been classified as a Variant of Uncertain Significance. Algorithms developed to predict the effect of missense changes on protein structure and function output the following: SIFT: "Tolerated"; PolyPhen-2: "Benign"; Align-GVGD: "Class C0". The arginine amino acid residue is found in multiple mammalian species, which suggests that this missense change does not adversely affect protein function. ClinVar contains an entry for this variant (Variation ID: 1052006). This variant has not been reported in the literature in individuals affected with RBP3-related conditions. This variant is present in population databases (rs143076262, gnomAD 0.006%).